The following is an entry in ClinVar:

ClinVar aggregate classification (germline): Likely benign (1 of 4 stars; one submission).

Allele frequency attached by ClinVar (database versions not stated): gnomAD exomes below 0.00001; ExAC 0.00001; TOPMed 0.00001; ESP Exome Variant Server 0.00008.
gnomAD v4.1: 1 of 1,613,902 alleles (0.000062%); highest among the groups gnomAD compares: African/African-American, 0.0013%; no homozygotes.

Submission:

CeGaT Center for Human Genetics Tuebingen
Classification: Likely benign. Last evaluated: 2022-08-01. Review status: criteria provided, single submitter. Criteria: CeGaT Center For Human Genetics Tuebingen Variant Classification Criteria Version 2. Collection method: clinical testing. Allele origin: germline. Affected: yes. Observed: 1 variant allele.
Comment: RIPK1: BP4, BP7

NM_001354930.2(RIPK1):c.636C>T (p.Tyr212=)

Gene: RIPK1 (receptor interacting serine/threonine kinase 1; plus strand). Cytogenetic location: 6p25.2.
Variant type: single nucleotide variant.
Coding change: c.636C>T on transcript NM_001354930.2 (MANE Select); coding-DNA position 636, C replaced by T.
Protein change: p.Tyr212=; no amino-acid change (tyrosine 212 retained).
Molecular consequence: synonymous variant.
Genome position (GRCh38, 1-based): chr6:3,083,261, C>T. VCF-style: chr6-3083261-C-T. GRCh37 (hg19) VCF-style: chr6-3083495-C-T.
Other names: c.147C>T, p.Tyr49= (NM_001317061.3, NM_001354932.2, NM_001354933.2 and 1 more transcripts); c.498C>T, p.Tyr166= (NM_001354931.2); c.636C>T, p.Tyr212= (NM_003804.6).
Identifiers: ClinVar variation 2656180 (VCV002656180.24), dbSNP rs144786197, ClinGen allele CA3618241.